The following is an entry in ClinVar:

NM_024675.4(PALB2):c.1526G>T (p.Gly509Val)

Gene: PALB2 (partner and localizer of BRCA2; minus strand). Cytogenetic location: 16p12.2.
Variant type: single nucleotide variant.
Coding change: c.1526G>T on transcript NM_024675.4 (MANE Select); coding-DNA position 1526, G replaced by T.
Protein change: p.Gly509Val; replaces glycine 509 with valine.
Molecular consequence: missense variant.
Genome position (GRCh38, 1-based): chr16:23,635,020, C>A on the plus strand (G>T on the coding strand, the complement: PALB2 is on the minus strand). VCF-style: chr16-23635020-C-A. GRCh37 (hg19) VCF-style: chr16-23646341-C-A.
Other names: c.1466G>T, p.Gly489Val (NM_001407296.1); c.1526G>T, p.Gly509Val (NM_001407297.1, NM_001407298.1, NM_001407299.1 and 3 more transcripts); c.641G>T, p.Gly214Val (NM_001407304.1, NM_001407305.1, NM_001407306.1 and 5 more transcripts); short protein forms G214V, G489V, G509V.
Identifiers: ClinVar variation 2099401 (VCV002099401.6), dbSNP rs786203176, ClinGen allele CA395130950.

ClinVar aggregate classification (germline): Uncertain significance. Review status: criteria provided, multiple submitters, no conflicts (2 of 4 stars). 2 submissions from 2 submitters: Uncertain significance (2). Last evaluated 2025-05-21.

Conditions:
Familial cancer of breast. Also called: Hereditary breast cancer; BREAST CANCER, FAMILIAL; hereditary breast carcinoma. Identifiers: Orphanet 227535, MedGen C0346153, MONDO:0016419, OMIM 114480. Disease mechanism: loss of function.
Hereditary cancer-predisposing syndrome. Also called: Hereditary neoplastic syndrome; Neoplastic Syndromes, Hereditary; Tumor predisposition; Hereditary Cancer Syndrome. Identifiers: Orphanet 140162, MedGen C0027672, MeSH D009386, MONDO:0015356.

gnomAD v4.1: 1 of 1,614,152 alleles (0.000062%); no homozygotes.

Submissions (2):

Labcorp Genetics (formerly Invitae), Labcorp
Classification: Uncertain significance for Familial cancer of breast. Last evaluated: 2025-05-21. Review status: criteria provided, single submitter. Criteria: Invitae Variant Classification Sherloc (09022015). Collection method: clinical testing. Allele origin: germline.
Comment: This sequence change replaces glycine, which is neutral and non-polar, with valine, which is neutral and non-polar, at codon 509 of the PALB2 protein (p.Gly509Val). This variant is not present in population databases (gnomAD no frequency). This variant has not been reported in the literature in individuals affected with PALB2-related conditions. ClinVar contains an entry for this variant (Variation ID: 2099401). Invitae Evidence Modeling of protein sequence and biophysical properties (such as structural, functional, and spatial information, amino acid conservation, physicochemical variation, residue mobility, and thermodynamic stability) indicates that this missense variant is not expected to disrupt PALB2 protein function with a negative predictive value of 80%. In summary, the available evidence is currently insufficient to determine the role of this variant in disease. Therefore, it has been classified as a Variant of Uncertain Significance.

Ambry Genetics
Classification: Uncertain significance for Hereditary cancer-predisposing syndrome. Last evaluated: 2023-08-05. Review status: criteria provided, single submitter. Criteria: Ambry Variant Classification Scheme 2023. Collection method: clinical testing. Allele origin: germline.
Comment: The p.G509V variant (also known as c.1526G>T), located in coding exon 4 of the PALB2 gene, results from a G to T substitution at nucleotide position 1526. The glycine at codon 509 is replaced by valine, an amino acid with dissimilar properties. This amino acid position is conserved. In addition, this alteration is predicted to be tolerated by in silico analysis. Since supporting evidence is limited at this time, the clinical significance of this alteration remains unclear.